The following is an entry in ClinVar:

ClinVar aggregate classification (germline): Uncertain significance (1 of 4 stars; one submission).

Submission:

Ambry Genetics
Classification: Uncertain significance. Last evaluated: 2022-07-01. Review status: criteria provided, single submitter. Criteria: Ambry Variant Classification Scheme 2023. Collection method: clinical testing. Allele origin: germline.
Comment: The p.H246Y variant (also known as c.736C>T), located in coding exon 5 of the BUB3 gene, results from a C to T substitution at nucleotide position 736. The histidine at codon 246 is replaced by tyrosine, an amino acid with similar properties. This amino acid position is conserved. In addition, the in silico prediction for this alteration is inconclusive. Since supporting evidence is limited at this time, the clinical significance of this alteration remains unclear.

NM_004725.4(BUB3):c.736C>T (p.His246Tyr)

Gene: BUB3 (BUB3 mitotic checkpoint protein; plus strand). Cytogenetic location: 10q26.13.
Variant type: single nucleotide variant.
Coding change: c.736C>T on transcript NM_004725.4 (MANE Select); coding-DNA position 736, C replaced by T.
Protein change: p.His246Tyr; replaces histidine 246 with tyrosine.
Molecular consequence: missense variant.
Genome position (GRCh38, 1-based): chr10:123,162,395, C>T. VCF-style: chr10-123162395-C-T. GRCh37 (hg19) VCF-style: chr10-124921911-C-T.
Other names: c.736C>T, p.His246Tyr (NM_001007793.3); short protein forms H246Y.
Identifiers: ClinVar variation 1758552 (VCV001758552.2), dbSNP rs2493766220, ClinGen allele CA378626788.